The following is an entry in ClinVar:

ClinVar aggregate classification (germline): Pathogenic (1 of 4 stars; one submission).

Conditions:
Hereditary cancer-predisposing syndrome. Also called: Neoplastic Syndromes, Hereditary; Tumor predisposition; Hereditary Cancer Syndrome; Hereditary neoplastic syndrome. Identifiers: Orphanet 140162, MedGen C0027672, MeSH D009386, MONDO:0015356.

Submission:

Ambry Genetics
Classification: Pathogenic for Hereditary cancer-predisposing syndrome. Last evaluated: 2025-09-19. Review status: criteria provided, single submitter. Criteria: Ambry Variant Classification Scheme 2023. Collection method: clinical testing. Allele origin: germline.
Comment: The c.1855dupA pathogenic mutation, located in coding exon 14 of the APC gene, results from a duplication of A at nucleotide position 1855, causing a translational frameshift with a predicted alternate stop codon (p.T619Nfs*15). This variant was reported in individual(s) with features consistent with APC-related familial adenomatous polyposis (Ambry internal data). This variant is considered to be rare based on population cohorts in the Genome Aggregation Database (gnomAD). This alteration is expected to result in loss of function by premature protein truncation or nonsense-mediated mRNA decay. As such, this alteration is interpreted as a disease-causing mutation.

NM_000038.6(APC):c.1855dup (p.Thr619fs)

Gene: APC (APC regulator of Wnt signaling pathway; plus strand). Cytogenetic location: 5q22.2.
Variant type: Duplication.
Coding change: c.1855dup on transcript NM_000038.6 (MANE Select); coding-DNA position 1855, one base duplicated (A; older notation c.1855dupA).
Protein change: p.Thr619fs; shifts the reading frame from threonine 619.
Molecular consequence: frameshift variant. On other transcripts: non-coding transcript variant (2).
Genome position (GRCh38, 1-based): chr5:112,835,062, A duplicated. VCF-style (leftmost placement, unchanged base first): chr5-112835061-C-CA. GRCh37 (hg19) VCF-style: chr5-112170758-C-CA.
Other names: c.1855dup, p.Thr619fs (NM_001127510.3, NM_001354895.2, NM_001407450.1); c.1801dup, p.Thr601fs (NM_001127511.3); c.1909dup, p.Thr637fs (NM_001354896.2, NM_001407447.1, NM_001407448.1 and 1 more transcripts); c.1885dup, p.Thr629fs (NM_001354897.2); c.1780dup, p.Thr594fs (NM_001354898.2); c.1771dup, p.Thr591fs (NM_001354899.2); c.1732dup, p.Thr578fs (NM_001354900.2); c.1678dup, p.Thr560fs (NM_001354901.2, NM_001407453.1); and 11 more; short protein forms T459fs, T493fs, T609fs, T612fs, T619fs, T629fs, T637fs, T336fs.
Identifiers: ClinVar variation 4576476 (VCV004576476.1).
Genomic context (GRCh38, chr5:112,835,061, plus strand): 5'-TTGCACTGAGAATAAAGCTGATATATGTGCTGTAGATGGTGCACTTGCATTTTTGGTTGG[C>CA]ACTCTTACTTACCGGAGCCAGACAAACACTTTAGCCATTATTGAAAGTGGAGGTGGGATA-3'